The following is an entry in ClinVar:

NM_001035.3(RYR2):c.2397-6C>T

Gene: RYR2 (ryanodine receptor 2; plus strand). Cytogenetic location: 1q43.
Variant type: single nucleotide variant.
Coding change: c.2397-6C>T on transcript NM_001035.3 (MANE Select); 6 bases into the intron before coding-DNA position 2397, C replaced by T.
Molecular consequence: intron variant.
Genome position (GRCh38, 1-based): chr1:237,503,283, C>T. VCF-style: chr1-237503283-C-T. GRCh37 (hg19) VCF-style: chr1-237666583-C-T.
Other names: p.?.
Identifiers: ClinVar variation 43758 (VCV000043758.40), dbSNP rs78165942, ClinGen allele CA008818.

ClinVar aggregate classification (germline): Benign/Likely benign. Review status: criteria provided, multiple submitters, no conflicts (2 of 4 stars). 16 submissions from 15 submitters: Benign (10); Likely benign (1). 5 of the submissions do not count toward it. Last evaluated 2026-02-03.

Conditions:
Cardiomyopathy (CMYO). Also called: Cardiomyopathies. Identifiers: Orphanet 167848, MedGen C0878544, MONDO:0004994, HP:0001638. Inheritance: Various modes of inheritance.
Catecholaminergic polymorphic ventricular tachycardia 1. Also called: VENTRICULAR TACHYCARDIA, STRESS-INDUCED POLYMORPHIC 1; VENTRICULAR TACHYCARDIA, CATECHOLAMINERGIC POLYMORPHIC, 1, WITH OR WITHOUT ATRIAL DYSFUNCTION AND/OR DILATED CARDIOMYOPATHY; RYR2-Related Catecholaminergic Polymorphic Ventricular Tachycardia. Identifiers: Orphanet 3286, MedGen C1631597, MONDO:0011484, OMIM 604772.
Arrhythmogenic right ventricular dysplasia 2. Identifiers: MedGen C1832931.

Allele frequency attached by ClinVar (database versions not stated): ExAC 0.00934; gnomAD 0.00993 and 0.01029; gnomAD exomes 0.00163 and 0.00371; TOPMed 0.01082; ESP Exome Variant Server 0.01127; 1000 Genomes Project 0.01318; 1000 Genomes Project 30x 0.01468.
gnomAD v4.1: 3,962 of 1,596,156 alleles (0.25%); highest among the groups gnomAD compares: African/African-American, 3.3%; 71 homozygotes.

Submissions (16):

Labcorp Genetics (formerly Invitae), Labcorp
Classification: Benign for Catecholaminergic polymorphic ventricular tachycardia 1. Last evaluated: 2026-02-03. Review status: criteria provided, single submitter. Criteria: Invitae Variant Classification Sherloc (09022015). Collection method: clinical testing. Allele origin: germline.

Molecular Diagnostic Laboratory for Inherited Cardiovascular Disease, Montreal Heart Institute
Classification: Likely benign. Last evaluated: 2025-04-09. Review status: criteria provided, single submitter. Criteria: ACMG Guidelines, 2015. Collection method: clinical testing. Allele origin: germline. Affected: no.

ARUP Laboratories, Molecular Genetics and Genomics, ARUP Laboratories
Classification: Benign. Last evaluated: 2024-12-12. Review status: criteria provided, single submitter. Criteria: ARUP Molecular Germline Variant Investigation Process 2024. Collection method: clinical testing. Allele origin: germline.

Color Diagnostics, LLC DBA Color Health
Classification: Benign for Cardiomyopathy. Last evaluated: 2018-03-09. Review status: criteria provided, single submitter. Criteria: ACMG Guidelines, 2015. Collection method: clinical testing. Allele origin: germline.

Illumina Laboratory Services, Illumina
Classification: Benign for Catecholaminergic polymorphic ventricular tachycardia 1. Last evaluated: 2018-01-12. Review status: criteria provided, single submitter. Criteria: ICSL Variant Classification Criteria 13 December 2019. Collection method: clinical testing. Allele origin: germline.
Comment: This variant was observed in the ICSL laboratory as part of a predisposition screen in an ostensibly healthy population. It had not been previously curated by ICSL or reported in the Human Gene Mutation Database (HGMD: prior to June 1st, 2018), and was therefore a candidate for classification through an automated scoring system. Utilizing variant allele frequency, disease prevalence and penetrance estimates, and inheritance mode, an automated score was calculated to assess if this variant is too frequent to cause the disease. Based on the score and internal cut-off values, a variant classified as benign is not then subjected to further curation. The score for this variant resulted in a classification of benign for this disease.

Illumina Laboratory Services, Illumina
Classification: Benign for Catecholaminergic polymorphic ventricular tachycardia 1. Last evaluated: 2018-01-12. Review status: criteria provided, single submitter. Criteria: ICSL Variant Classification Criteria 13 December 2019. Collection method: clinical testing. Allele origin: germline.
Comment: the same text as in the submission from Illumina Laboratory Services, Illumina above.

Mayo Clinic Laboratories, Mayo Clinic
Classification: Benign. Last evaluated: 2016-08-29. Review status: criteria provided, single submitter. Criteria: ACMG Guidelines, 2015. Collection method: clinical testing. Allele origin: germline. Observed: 14 variant alleles.

CHEO Genetics Diagnostic Laboratory, Children's Hospital of Eastern Ontario
Classification: Benign for Cardiomyopathy. Last evaluated: 2016-08-02. Review status: criteria provided, single submitter. Criteria: ACMG Guidelines, 2015. Collection method: clinical testing. Allele origin: germline. Study: Canadian Open Genetics Repository.

GeneDx
Classification: Benign. Last evaluated: 2013-01-25. Review status: criteria provided, single submitter. Criteria: GeneDx Variant Classification (06012015). Collection method: clinical testing. Allele origin: germline. Affected: yes.
Comment: This variant is considered likely benign or benign based on one or more of the following criteria: it is a conservative change, it occurs at a poorly conserved position in the protein, it is predicted to be benign by multiple in silico algorithms, and/or has population frequency not consistent with disease.

Laboratory for Molecular Medicine, Mass General Brigham Personalized Medicine
Classification: Benign. Last evaluated: 2012-04-24. Review status: criteria provided, single submitter. Criteria: LMM Criteria. Collection method: clinical testing. Allele origin: germline. Observed: 27 variant alleles.
Comment: 2397-6C>T in Intron 21 of RYR2: This variant is not expected to have clinical si gnificance because it is not located within the conserved +/- 1, 2 invariant reg ion. It has been identified in 3.8% (116/3076) of African American chromosomes f rom a broad population by the NHLBI Exome Sequencing Project (rs78165942).

Breakthrough Genomics
Classification: Benign. Review status: criteria provided, single submitter. Criteria: ACMG Guidelines, 2015. Collection method: not provided. Allele origin: germline. Inheritance: Autosomal dominant inheritance. Affected: yes.

Clinical Genetics DNA and cytogenetics Diagnostics Lab, Erasmus MC, Erasmus Medical Center
Classification: Benign. Review status: no assertion criteria provided. Collection method: clinical testing. Allele origin: germline. Affected: yes. Study: VKGL Data-share Consensus. Not counted in ClinVar's aggregate classification.

Clinical Genetics, Academic Medical Center
Classification: Benign. Review status: no assertion criteria provided. Collection method: clinical testing. Allele origin: germline. Affected: yes. Study: VKGL Data-share Consensus. Not counted in ClinVar's aggregate classification.

Diagnostic Laboratory, Department of Genetics, University Medical Center Groningen
Classification: Likely benign. Review status: no assertion criteria provided. Collection method: clinical testing. Allele origin: germline. Affected: yes. Study: VKGL Data-share Consensus. Not counted in ClinVar's aggregate classification.

Genome Diagnostics Laboratory, University Medical Center Utrecht
Classification: Benign. Review status: no assertion criteria provided. Collection method: clinical testing. Allele origin: germline. Affected: yes. Study: VKGL Data-share Consensus. Not counted in ClinVar's aggregate classification.

Joint Genome Diagnostic Labs from Nijmegen and Maastricht, Radboudumc and MUMC+
Classification: Benign. Review status: no assertion criteria provided. Collection method: clinical testing. Allele origin: germline. Affected: yes. Study: VKGL Data-share Consensus. Not counted in ClinVar's aggregate classification.